The following is an entry in ClinVar:

ClinVar aggregate classification (germline): Uncertain significance (1 of 4 stars; one submission).

Conditions:
Inclusion body myopathy with Paget disease of bone and frontotemporal dementia. Also called: Inclusion body myopathy with early-onset Paget disease and frontotemporal dementia. Identifiers: Orphanet 52430, MedGen C1833662, MONDO:0000507.
Frontotemporal dementia and/or amyotrophic lateral sclerosis 6 (FTDALS6). Also called: VCP-Related Amyotrophic Lateral Sclerosis/Frontotemporal Dementia; VCP-Related Amyotrophic Lateral Sclerosis. Identifiers: Orphanet 275872, Orphanet 803, MedGen C5436279, MONDO:0013501, OMIM 613954.

Allele frequency attached by ClinVar (database versions not stated): gnomAD 0.00001 and 0.00002; TOPMed 0.00001.

Submission:

Labcorp Genetics (formerly Invitae), Labcorp
Classification: Uncertain significance for Inclusion body myopathy with Paget disease of bone and frontotemporal dementia; Frontotemporal dementia and/or amyotrophic lateral sclerosis 6. Last evaluated: 2025-11-21. Review status: criteria provided, single submitter. Criteria: Invitae Variant Classification Sherloc (09022015). Collection method: clinical testing. Allele origin: germline.
Comment: This sequence change replaces serine, which is neutral and polar, with cysteine, which is neutral and slightly polar, at codon 78 of the VCP protein (p.Ser78Cys). This variant is not present in population databases (gnomAD no frequency). This variant has not been reported in the literature in individuals affected with VCP-related conditions. ClinVar contains an entry for this variant (Variation ID: 1385111). Invitae Evidence Modeling of protein sequence and biophysical properties (such as structural, functional, and spatial information, amino acid conservation, physicochemical variation, residue mobility, and thermodynamic stability) indicates that this missense variant is not expected to disrupt VCP protein function with a negative predictive value of 95%. In summary, the available evidence is currently insufficient to determine the role of this variant in disease. Therefore, it has been classified as a Variant of Uncertain Significance.

NM_007126.5(VCP):c.233C>G (p.Ser78Cys)

Gene: VCP (valosin containing protein; minus strand). Cytogenetic location: 9p13.3.
Variant type: single nucleotide variant.
Coding change: c.233C>G on transcript NM_007126.5 (MANE Select); coding-DNA position 233, C replaced by G.
Protein change: p.Ser78Cys; replaces serine 78 with cysteine.
Molecular consequence: missense variant.
Genome position (GRCh38, 1-based): chr9:35,067,960, G>C on the plus strand (C>G on the coding strand, the complement: VCP is on the minus strand). VCF-style: chr9-35067960-G-C. GRCh37 (hg19) VCF-style: chr9-35067957-G-C.
Other names: c.98C>G, p.Ser33Cys (NM_001354927.2, NM_001354928.2); short protein forms S78C, S33C.
Identifiers: ClinVar variation 1385111 (VCV001385111.6), dbSNP rs1252437282, ClinGen allele CA373293873.
Genomic context (GRCh38, chr9:35,067,960, plus strand): 5'-TCCCCTAGGCGTACACGAAGGTTATTCCGAACAACTCTATTCATCCGAATCTTCTCATCA[G>C]AACAAGTATCATCAGAAAGGACGATGCAAACAGCTTCTCGTCTCTTCTTTCCTTTCAGCA-3'
Protein context (NP_009057.1, residues 68-88): VCIVLSDDTC[Ser78Cys]DEKIRMNRVV